The following is an entry in ClinVar:

NM_022042.4(SLC26A1):c.125G>C (p.Ser42Thr)

Genes: IDUA (alpha-L-iduronidase; plus strand), SLC26A1 (solute carrier family 26 member 1; minus strand). Cytogenetic location: 4p16.3.
Variant type: single nucleotide variant.
Coding change: c.125G>C on transcript NM_022042.4 (MANE Select); coding-DNA position 125, G replaced by C.
Protein change: p.Ser42Thr; replaces serine 42 with threonine.
Molecular consequence: missense variant. On other transcripts: intron variant (1).
Genome position (GRCh38, 1-based): chr4:991,579, C>G on the plus strand (G>C on the coding strand, the complement: SLC26A1 is on the minus strand). VCF-style: chr4-991579-C-G. GRCh37 (hg19) VCF-style: chr4-985367-C-G.
Other names: c.125G>C (NM_213613.2); c.125G>C, p.Ser42Thr (NM_134425.4, NM_213613.4); c.299+3630C>G (NM_000203.5); short protein forms S42T.
Identifiers: ClinVar variation 2957763 (VCV002957763.4), dbSNP rs965211778, ClinGen allele CA91151558.

ClinVar aggregate classification (germline): Uncertain significance. Review status: criteria provided, multiple submitters, no conflicts (2 of 4 stars). 2 submissions from 2 submitters: Uncertain significance (2). Last evaluated 2025-09-05.

Conditions:
Inborn genetic diseases. Identifiers: MedGen C0950123, MeSH D030342.

Allele frequency attached by ClinVar (database versions not stated): TOPMed 0.00002; gnomAD exomes 0.00007.
gnomAD v4.1: 101 of 1,600,774 alleles (0.0063%); highest among the groups gnomAD compares: Non-Finnish European, 0.0084%; no homozygotes.

Submissions (2):

Ambry Genetics
Classification: Uncertain significance for Inborn genetic diseases. Last evaluated: 2025-09-05. Review status: criteria provided, single submitter. Criteria: Ambry Variant Classification Scheme 2023. Collection method: clinical testing. Allele origin: germline.

Labcorp Genetics (formerly Invitae), Labcorp
Classification: Uncertain significance. Last evaluated: 2023-06-21. Review status: criteria provided, single submitter. Criteria: Invitae Variant Classification Sherloc (09022015). Collection method: clinical testing. Allele origin: germline.
Comment: In summary, the available evidence is currently insufficient to determine the role of this variant in disease. Therefore, it has been classified as a Variant of Uncertain Significance. Advanced modeling of protein sequence and biophysical properties (such as structural, functional, and spatial information, amino acid conservation, physicochemical variation, residue mobility, and thermodynamic stability) performed at Invitae indicates that this missense variant is not expected to disrupt SLC26A1 protein function. This variant has not been reported in the literature in individuals affected with SLC26A1-related conditions. This variant is present in population databases (no rsID available, gnomAD 0.001%). This sequence change replaces serine, which is neutral and polar, with threonine, which is neutral and polar, at codon 42 of the SLC26A1 protein (p.Ser42Thr).